The following is an entry in ClinVar:

ClinVar aggregate classification (germline): Benign (1 of 4 stars; one submission).

Allele frequency attached by ClinVar (database versions not stated): gnomAD 0.09566 and 0.10159; TOPMed 0.09819; 1000 Genomes Project 30x 0.12477; 1000 Genomes Project 0.12899.
gnomAD v4.1: 15,531 of 151,902 alleles (10%); highest among the groups gnomAD compares: East Asian, 34%; 1,154 homozygotes.

Submission:

GeneDx
Classification: Benign. Last evaluated: 2018-06-19. Review status: criteria provided, single submitter. Criteria: GeneDx Variant Classification (06012015). Collection method: clinical testing. Allele origin: germline. Affected: yes.
Comment: This variant is considered likely benign or benign based on one or more of the following criteria: it is a conservative change, it occurs at a poorly conserved position in the protein, it is predicted to be benign by multiple in silico algorithms, and/or has population frequency not consistent with disease.

NM_003659.4(AGPS):c.351-194G>A

Gene: AGPS (alkylglycerone phosphate synthase; plus strand). Cytogenetic location: 2q31.2.
Variant type: single nucleotide variant.
Coding change: c.351-194G>A on transcript NM_003659.4 (MANE Select); 194 bases into the intron before coding-DNA position 351, G replaced by A.
Molecular consequence: intron variant.
Genome position (GRCh38, 1-based): chr2:177,434,133, G>A. VCF-style: chr2-177434133-G-A. GRCh37 (hg19) VCF-style: chr2-178298861-G-A.
Identifiers: ClinVar variation 683752 (VCV000683752.1), dbSNP rs76827775, ClinGen allele CA11217019.